The following is an entry in ClinVar:

ClinVar aggregate classification (germline): Uncertain significance. Review status: criteria provided, multiple submitters, no conflicts (2 of 4 stars). 2 submissions from 2 submitters: Uncertain significance (2). Last evaluated 2025-01-06.

Allele frequency attached by ClinVar (database versions not stated): TOPMed 0.00010; ExAC 0.00012; gnomAD 0.00013; 1000 Genomes Project 30x 0.00016; 1000 Genomes Project 0.00020; gnomAD exomes 0.00080.
gnomAD v4.1: 1,152 of 1,613,956 alleles (0.071%); highest among the groups gnomAD compares: Non-Finnish European, 0.095%; 1 homozygote.

Submissions (2):

Labcorp Genetics (formerly Invitae), Labcorp
Classification: Uncertain significance. Last evaluated: 2025-01-06. Review status: criteria provided, single submitter. Criteria: Invitae Variant Classification Sherloc (09022015). Collection method: clinical testing. Allele origin: germline.
Comment: This sequence change replaces threonine, which is neutral and polar, with serine, which is neutral and polar, at codon 1266 of the IGSF10 protein (p.Thr1266Ser). This variant is present in population databases (rs115036956, gnomAD 0.03%). This variant has not been reported in the literature in individuals affected with IGSF10-related conditions. ClinVar contains an entry for this variant (Variation ID: 2391322). An algorithm developed to predict the effect of missense changes on protein structure and function (PolyPhen-2) suggests that this variant is likely to be tolerated. In summary, the available evidence is currently insufficient to determine the role of this variant in disease. Therefore, it has been classified as a Variant of Uncertain Significance.

Ambry Genetics
Classification: Uncertain significance. Last evaluated: 2024-08-21. Review status: criteria provided, single submitter. Criteria: Ambry Variant Classification Scheme 2023. Collection method: clinical testing. Allele origin: germline.

NM_178822.5(IGSF10):c.3796A>T (p.Thr1266Ser)

Gene: IGSF10 (immunoglobulin superfamily member 10; minus strand). Cytogenetic location: 3q25.1.
Variant type: single nucleotide variant.
Coding change: c.3796A>T on transcript NM_178822.5 (MANE Select); coding-DNA position 3796, A replaced by T.
Protein change: p.Thr1266Ser; replaces threonine 1266 with serine.
Molecular consequence: missense variant.
Genome position (GRCh38, 1-based): chr3:151,446,185, T>A on the plus strand (A>T on the coding strand, the complement: IGSF10 is on the minus strand). VCF-style: chr3-151446185-T-A. GRCh37 (hg19) VCF-style: chr3-151163973-T-A.
Other names: c.3796A>T, p.Thr1266Ser (NM_001385060.1, NM_001385061.1, NM_001385062.1 and 1 more transcripts); short protein forms T1266S.
Identifiers: ClinVar variation 2391322 (VCV002391322.5), dbSNP rs115036956, ClinGen allele CA2670095.